The following is an entry in ClinVar:

NM_006859.4(LIAS):c.884C>T (p.Ala295Val)

Gene: LIAS (lipoic acid synthetase; plus strand). Cytogenetic location: 4p14.
Variant type: single nucleotide variant.
Coding change: c.884C>T on transcript NM_006859.4 (MANE Select); coding-DNA position 884, C replaced by T.
Protein change: p.Ala295Val; replaces alanine 295 with valine.
Molecular consequence: missense variant.
Genome position (GRCh38, 1-based): chr4:39,471,236, C>T. VCF-style: chr4-39471236-C-T. GRCh37 (hg19) VCF-style: chr4-39472856-C-T.
Other names: c.755C>T, p.Ala252Val (NM_001278590.2); c.575C>T, p.Ala192Val (NM_001363700.2); c.884C>T, p.Ala295Val (NM_194451.3); short protein forms A192V, A252V, A295V.
Identifiers: ClinVar variation 1346544 (VCV001346544.6), dbSNP rs1028624548, ClinGen allele CA95732011.

ClinVar aggregate classification (germline): Uncertain significance (1 of 4 stars; one submission).

Conditions:
Lipoic acid synthetase deficiency. Also called: HYPERGLYCINEMIA, LACTIC ACIDOSIS, AND SEIZURES. Identifiers: Orphanet 401859, MedGen C3280887, MONDO:0013762, OMIM 614462.

Allele frequency attached by ClinVar (database versions not stated): gnomAD exomes below 0.00001; TOPMed below 0.00001; gnomAD 0.00001.
gnomAD v4.1: 3 of 1,608,272 alleles (0.00019%); highest among the groups gnomAD compares: African/African-American, 0.0027%; no homozygotes.

Submission:

Labcorp Genetics (formerly Invitae), Labcorp
Classification: Uncertain significance for Lipoic acid synthetase deficiency. Last evaluated: 2021-10-22. Review status: criteria provided, single submitter. Criteria: Invitae Variant Classification Sherloc (09022015). Collection method: clinical testing. Allele origin: germline.
Comment: This sequence change replaces alanine with valine at codon 295 of the LIAS protein (p.Ala295Val). The alanine residue is moderately conserved and there is a small physicochemical difference between alanine and valine. This variant is not present in population databases (ExAC no frequency). This variant has not been reported in the literature in individuals affected with LIAS-related conditions. Algorithms developed to predict the effect of missense changes on protein structure and function output the following: SIFT: "Tolerated"; PolyPhen-2: "Benign"; Align-GVGD: "Class C0". The valine amino acid residue is found in multiple mammalian species, which suggests that this missense change does not adversely affect protein function. In summary, the available evidence is currently insufficient to determine the role of this variant in disease. Therefore, it has been classified as a Variant of Uncertain Significance.